The following is an entry in ClinVar:

ClinVar aggregate classification (germline): Uncertain significance (1 of 4 stars; one submission).

Allele frequency attached by ClinVar (database versions not stated): gnomAD exomes below 0.00001.
gnomAD v4.1: 1 of 1,604,760 alleles (0.000062%); highest among the groups gnomAD compares: Non-Finnish European, 0.000085%; no homozygotes.

Submission:

Labcorp Genetics (formerly Invitae), Labcorp
Classification: Uncertain significance. Last evaluated: 2023-06-16. Review status: criteria provided, single submitter. Criteria: Invitae Variant Classification Sherloc (09022015). Collection method: clinical testing. Allele origin: germline.
Comment: In summary, the available evidence is currently insufficient to determine the role of this variant in disease. Therefore, it has been classified as a Variant of Uncertain Significance. Advanced modeling of protein sequence and biophysical properties (such as structural, functional, and spatial information, amino acid conservation, physicochemical variation, residue mobility, and thermodynamic stability) performed at Invitae indicates that this missense variant is not expected to disrupt STN1 protein function. This variant has not been reported in the literature in individuals affected with STN1-related conditions. This variant is not present in population databases (gnomAD no frequency). This sequence change replaces isoleucine, which is neutral and non-polar, with valine, which is neutral and non-polar, at codon 263 of the STN1 protein (p.Ile263Val).

NM_024928.5(STN1):c.787A>G (p.Ile263Val)

Gene: STN1 (STN1 subunit of CST complex; minus strand). Cytogenetic location: 10q24.33.
Variant type: single nucleotide variant.
Coding change: c.787A>G on transcript NM_024928.5 (MANE Select); coding-DNA position 787, A replaced by G.
Protein change: p.Ile263Val; replaces isoleucine 263 with valine.
Molecular consequence: missense variant.
Genome position (GRCh38, 1-based): chr10:103,892,219, T>C on the plus strand (A>G on the coding strand, the complement: STN1 is on the minus strand). VCF-style: chr10-103892219-T-C. GRCh37 (hg19) VCF-style: chr10-105651977-T-C.
Other names: short protein forms I263V.
Identifiers: ClinVar variation 2875203 (VCV002875203.3), dbSNP rs2493027939, ClinGen allele CA378044304.
Genomic context (GRCh38, chr10:103,892,219, plus strand): 5'-TCTGGAAAACAAGTCCTTTTTCCTGCAGCAGTTGTATAGCATTCTTAAATATACTATGAA[T>C]TGCCTTGGAAGTGGTGTCCTTCTTAAAATTCACCTGTAAAGAGAGGAAAAAGAAAAAAGA-3'
Protein context (NP_079204.2, residues 253-273): NFKKDTTSKA[Ile263Val]HSIFKNAIQL